The following is an entry in ClinVar:

ClinVar aggregate classification (germline): Uncertain significance (1 of 4 stars; one submission).

Allele frequency attached by ClinVar (database versions not stated): gnomAD exomes below 0.00001.
gnomAD v4.1: 2 of 1,596,598 alleles (0.00013%); highest among the groups gnomAD compares: Non-Finnish European, 0.00017%; no homozygotes.

Submission:

Women's Health and Genetics/Laboratory Corporation of America, LabCorp
Classification: Uncertain significance. Last evaluated: 2024-04-25. Review status: criteria provided, single submitter. Criteria: LabCorp Variant Classification Summary - May 2015. Collection method: clinical testing. Allele origin: germline.
Comment: Variant summary: SLC9A9 c.456G>C (p.Lys152Asn) results in a non-conservative amino acid change located in the Cation/H+ exchanger domain (IPR006153) of the encoded protein sequence. Four of five in-silico tools predict a damaging effect of the variant on protein function. Several computational tools predict a significant impact on normal splicing: Three predict the variant weakens a canonical 5' donor site and one predicst the variant abolishes this site. However, these predictions have yet to be confirmed by functional studies. The variant was absent in 249356 control chromosomes (gnomAD). The available data on variant occurrences in the general population are insufficient to allow any conclusion about variant significance. To our knowledge, no occurrence of c.456G>C in individuals affected with Autism, Susceptibility To, 16 and no experimental evidence demonstrating its impact on protein function have been reported. No submitters have cited clinical-significance assessments for this variant to ClinVar. Based on the evidence outlined above, the variant was classified as uncertain significance.

NM_173653.4(SLC9A9):c.456G>C (p.Lys152Asn)

Gene: SLC9A9 (solute carrier family 9 member A9; minus strand). Cytogenetic location: 3q24.
Variant type: single nucleotide variant.
Coding change: c.456G>C on transcript NM_173653.4 (MANE Select); coding-DNA position 456, G replaced by C.
Protein change: p.Lys152Asn; replaces lysine 152 with asparagine.
Molecular consequence: missense variant.
Genome position (GRCh38, 1-based): chr3:143,796,826, C>G on the plus strand (G>C on the coding strand, the complement: SLC9A9 is on the minus strand). VCF-style: chr3-143796826-C-G. GRCh37 (hg19) VCF-style: chr3-143515668-C-G.
Other names: short protein forms K152N.
Identifiers: ClinVar variation 3251669 (VCV003251669.1), dbSNP rs2473681167.